The following is an entry in ClinVar:

ClinVar aggregate classification (germline): Uncertain significance (1 of 4 stars; one submission).

Conditions:
Nemaline myopathy 2 (NEM2). Also called: Nemaline myopathy 2, autosomal recessive. Identifiers: MedGen C1850569, MONDO:0009725, OMIM 256030.

Allele frequency attached by ClinVar (database versions not stated): gnomAD exomes below 0.00001; ExAC 0.00001; gnomAD 0.00001; TOPMed 0.00001.
gnomAD v4.1: 7 of 1,613,812 alleles (0.00043%); highest among the groups gnomAD compares: Non-Finnish European, 0.00059%; no homozygotes.

Submission:

Labcorp Genetics (formerly Invitae), Labcorp
Classification: Uncertain significance for Nemaline myopathy 2. Last evaluated: 2022-04-25. Review status: criteria provided, single submitter. Criteria: Invitae Variant Classification Sherloc (09022015). Collection method: clinical testing. Allele origin: germline.
Comment: This sequence change replaces histidine, which is basic and polar, with arginine, which is basic and polar, at codon 2642 of the NEB protein (p.His2642Arg). This variant is present in population databases (rs748482247, gnomAD 0.002%). This variant has not been reported in the literature in individuals affected with NEB-related conditions. Algorithms developed to predict the effect of missense changes on protein structure and function are either unavailable or do not agree on the potential impact of this missense change (SIFT: "Deleterious"; PolyPhen-2: "Not Available"; Align-GVGD: "Class C0"). In summary, the available evidence is currently insufficient to determine the role of this variant in disease. Therefore, it has been classified as a Variant of Uncertain Significance.

NM_001164508.2(NEB):c.7925A>G (p.His2642Arg)

Gene: NEB (nebulin; minus strand). Cytogenetic location: 2q23.3.
Variant type: single nucleotide variant.
Coding change: c.7925A>G on transcript NM_001164508.2 (MANE Select); coding-DNA position 7925, A replaced by G.
Protein change: p.His2642Arg; replaces histidine 2642 with arginine.
Molecular consequence: missense variant.
Genome position (GRCh38, 1-based): chr2:151,643,849, T>C on the plus strand (A>G on the coding strand, the complement: NEB is on the minus strand). VCF-style: chr2-151643849-T-C. GRCh37 (hg19) VCF-style: chr2-152500363-T-C.
Other names: c.7925A>G, p.His2642Arg (NM_001164507.2, NM_001271208.2, NM_004543.5); short protein forms H2642R.
Identifiers: ClinVar variation 2143318 (VCV002143318.1), dbSNP rs748482247, ClinGen allele CA1909728.